The following is an entry in ClinVar:

ClinVar aggregate classification (germline): Pathogenic (1 of 4 stars; one submission).

Conditions:
Kennedy disease (SMAX1). Also called: SPINAL AND BULBAR MUSCULAR ATROPHY, X-LINKED 1; KENNEDY SPINAL AND BULBAR MUSCULAR ATROPHY; Spinal and Bulbar Muscular Atrophy. Identifiers: Orphanet 481, MedGen C1839259, MONDO:0010735, OMIM 313200.
Androgen resistance syndrome (AIS). Also called: DHTR DEFICIENCY; DIHYDROTESTOSTERONE RECEPTOR DEFICIENCY; ANDROGEN RECEPTOR DEFICIENCY; TESTICULAR FEMINIZATION SYNDROME; Androgen insensitivity syndrome; Androgen insensitivity. Identifiers: Orphanet 754, Orphanet 99429, MedGen C0039585, MONDO:0019154, OMIM 300068. Disease mechanism: loss of function.

Submission:

Labcorp Genetics (formerly Invitae), Labcorp
Classification: Pathogenic for Kennedy disease; Androgen resistance syndrome. Last evaluated: 2025-04-08. Review status: criteria provided, single submitter. Criteria: Invitae Variant Classification Sherloc (09022015). Collection method: clinical testing. Allele origin: germline.
Comment: This sequence change creates a premature translational stop signal (p.Gln63*) in the AR gene. It is expected to result in an absent or disrupted protein product. Loss-of-function variants in AR are known to be pathogenic (PMID: 19463997). This variant is not present in population databases (gnomAD no frequency). This variant has not been reported in the literature in individuals affected with AR-related conditions. ClinVar contains an entry for this variant (Variation ID: 2949018). For these reasons, this variant has been classified as Pathogenic.

Literature cited by the submitters: PubMed 19463997.

NM_000044.6(AR):c.187C>T (p.Gln63Ter)

Genes: AR (androgen receptor; plus strand), LOC109504725 (androgen receptor repeat instability region; plus strand). Cytogenetic location: Xq12.
Variant type: single nucleotide variant.
Coding change: c.187C>T on transcript NM_000044.6 (MANE Select); coding-DNA position 187, C replaced by T.
Protein change: p.Gln63Ter; replaces glutamine 63 with a stop codon.
Molecular consequence: nonsense. On other transcripts: 5 prime UTR variant (1).
Genome position (GRCh38, 1-based): chrX:67,545,333, C>T. VCF-style: chrX-67545333-C-T. GRCh37 (hg19) VCF-style: chrX-66765175-C-T.
Other names: c.-1597C>T (NM_001011645.3); c.187C>T, p.Gln63Ter (NM_001348061.1, NM_001348063.1, NM_001348064.1 and 1 more transcripts); short protein forms Q63*.
Identifiers: ClinVar variation 2949018 (VCV002949018.3), dbSNP rs2147314874, ClinGen allele CA413423972.